The following is an entry in ClinVar:

NM_177438.3(DICER1):c.5432T>C (p.Ile1811Thr)

Gene: DICER1 (dicer 1, ribonuclease III; minus strand). Cytogenetic location: 14q32.13.
Variant type: single nucleotide variant.
Coding change: c.5432T>C on transcript NM_177438.3 (MANE Select); coding-DNA position 5432, T replaced by C.
Protein change: p.Ile1811Thr; replaces isoleucine 1811 with threonine.
Molecular consequence: missense variant. On other transcripts: non-coding transcript variant (6), intron variant (1).
Genome position (GRCh38, 1-based): chr14:95,091,298, A>G on the plus strand (T>C on the coding strand, the complement: DICER1 is on the minus strand). VCF-style: chr14-95091298-A-G. GRCh37 (hg19) VCF-style: chr14-95557635-A-G.
Other names: c.5432T>C, p.Ile1811Thr (NM_001271282.3, NM_001291628.2, NM_001395677.1 and 7 more transcripts); c.5150T>C, p.Ile1717Thr (NM_001395686.1); c.5027T>C, p.Ile1676Thr (NM_001395687.1, NM_001395688.1, NM_001395689.1 and 1 more transcripts); c.4865T>C, p.Ile1622Thr (NM_001395691.1); c.3749T>C, p.Ile1250Thr (NM_001395697.1); c.5365-189T>C (NM_001195573.1); short protein forms I1717T, I1250T, I1622T, I1676T, I1811T.
Identifiers: ClinVar variation 3501881 (VCV003501881.1).
Genomic context (GRCh38, chr14:95,091,298, plus strand): 5'-CAGACTGTCTCCAGTGACATCCCACTATCCATGTAAATGGCACCAGCAAGCGACTCAAAA[A>G]TATCCCCCATGGCCTTTGGAACTTCAATATCCTCTTCTTTCTCTTCATCCTCCTCAGATC-3'
Protein context (NP_803187.1, residues 1801-1821): DIEVPKAMGD[Ile1811Thr]FESLAGAIYM

ClinVar aggregate classification (germline): Uncertain significance (1 of 4 stars; one submission).

Conditions:
Hereditary cancer-predisposing syndrome. Also called: Tumor predisposition; Neoplastic Syndromes, Hereditary; Hereditary Cancer Syndrome; Hereditary neoplastic syndrome. Identifiers: Orphanet 140162, MedGen C0027672, MeSH D009386, MONDO:0015356.

Submission:

Ambry Genetics
Classification: Uncertain significance for Hereditary cancer-predisposing syndrome. Last evaluated: 2024-08-16. Review status: criteria provided, single submitter. Criteria: Ambry Variant Classification Scheme 2023. Collection method: clinical testing. Allele origin: germline.
Comment: The p.I1811T variant (also known as c.5432T>C), located in coding exon 24 of the DICER1 gene, results from a T to C substitution at nucleotide position 5432. The isoleucine at codon 1811 is replaced by threonine, an amino acid with similar properties. This amino acid position is conserved. In addition, this alteration is predicted to be deleterious by in silico analysis. Based on the available evidence, the clinical significance of this variant remains unclear.